The following is an entry in ClinVar:

ClinVar aggregate classification (germline): Uncertain significance (1 of 4 stars; one submission).

Conditions:
Developmental and epileptic encephalopathy, 11 (DEE11). Also called: Early infantile epileptic encephalopathy 11. Identifiers: Orphanet 1934, MedGen C3150987, MONDO:0013388, OMIM 613721.

Allele frequency attached by ClinVar (database versions not stated): gnomAD exomes below 0.00001; TOPMed below 0.00001.
gnomAD v4.1: 2 of 1,613,560 alleles (0.00012%); highest among the groups gnomAD compares: African/African-American, 0.0013%; no homozygotes.

Submission:

3billion
Classification: Uncertain significance for Developmental and epileptic encephalopathy, 11. Last evaluated: 2022-01-03. Review status: criteria provided, single submitter. Criteria: ACMG Guidelines, 2015. Collection method: clinical testing. Allele origin: germline. Affected: yes. Observed: 1 heterozygote.
Comment: The variant not observed in the gnomAD v2.1.1 dataset (PM2_M). In silico tool predictions suggest damaging effect of the variant on gene or gene product (3CNET: 0.756, PP3_P). A missense variant is a common mechanism associated with Epileptic encephalopathy (PP2_P). Therefore, this variant is classified as uncertain significance according to the recommendation of ACMG/AMP guideline.

NM_001040142.2(SCN2A):c.4162G>A (p.Ala1388Thr)

Gene: SCN2A (sodium voltage-gated channel alpha subunit 2; plus strand). Cytogenetic location: 2q24.3.
Variant type: single nucleotide variant.
Coding change: c.4162G>A on transcript NM_001040142.2 (MANE Select); coding-DNA position 4162, G replaced by A.
Protein change: p.Ala1388Thr; replaces alanine 1388 with threonine.
Molecular consequence: missense variant.
Genome position (GRCh38, 1-based): chr2:165,374,874, G>A. VCF-style: chr2-165374874-G-A. GRCh37 (hg19) VCF-style: chr2-166231384-G-A.
Other names: c.4162G>A, p.Ala1388Thr (NM_001040143.2, NM_001371246.1, NM_001371247.1 and 1 more transcripts); short protein forms A1388T.
Identifiers: ClinVar variation 1333291 (VCV001333291.1), dbSNP rs1701228935, ClinGen allele CA349031240.